The following is an entry in ClinVar:

ClinVar aggregate classification (germline): Pathogenic (1 of 4 stars; one submission).

Conditions:
Pseudo-Hurler polydystrophy. Also called: ML III; ML III ALPHA/BETA; Type III Mucolipidosis; ML IIIA; Mucolipidosis III Alpha/Beta; MUCOLIPIDOSIS IIIA. Identifiers: Orphanet 423461, Orphanet 577, MedGen C0033788, MONDO:0018931, OMIM 252600.
Mucolipidosis type II. Also called: ML II ALPHA/BETA; Mucolipidosis 2; ML 2; Inclusion cell disease; Leroy Disease; N-acetylglucosamine 1phosphotransferase deficiency. Identifiers: Orphanet 576, MedGen C2673377, MONDO:0009650, OMIM 252500.

Submission:

Labcorp Genetics (formerly Invitae), Labcorp
Classification: Pathogenic for Pseudo-Hurler polydystrophy; Mucolipidosis type II. Last evaluated: 2021-03-13. Review status: criteria provided, single submitter. Criteria: Invitae Variant Classification Sherloc (09022015). Collection method: clinical testing. Allele origin: germline.
Comment: For these reasons, this variant has been classified as Pathogenic. A similar copy number variant has been observed in individual(s) with mucolipidosis type II or type III (PMID: 19197337). ClinVar contains an entry for this variant (Variation ID: 39023). This variant results in a copy number gain of the genomic region encompassing exon(s) 2 of the GNPTAB gene. While the exact position of this variant cannot be determined from the data, sub-genic copy number gains are generally in tandem (PMID: 25640679). This variant is predicted to be out-of-frame, and may result in an absent or disrupted protein product. Loss-of-function variants in GNPTAB are known to be pathogenic (PMID: 19617216, 25107912).

Literature cited by the submitters: PubMed 19197337; PubMed 25640679; PubMed 19617216; PubMed 25107912.

NC_000012.11:g.(?_102190445)_(102190550_?)dup

Gene: GNPTAB (N-acetylglucosamine-1-phosphate transferase subunits alpha and beta; minus strand). Cytogenetic location: 12q23.2.
Variant type: Duplication.
Identifiers: ClinVar variation 1459782 (VCV001459782.4).